The following is an entry in ClinVar:

ClinVar aggregate classification (germline): Uncertain significance (1 of 4 stars; one submission).

Conditions:
Primary familial hypertrophic cardiomyopathy (HCM). Identifiers: Orphanet 99739, MedGen C0949658, MeSH D024741, MONDO:0024573. Inheritance: Various modes of inheritance.
Dilated cardiomyopathy 1AA (CMD1AA). Also called: CARDIOMYOPATHY, DILATED, 1AA, WITH OR WITHOUT LEFT VENTRICULAR NONCOMPACTION; CARDIOMYOPATHY, FAMILIAL HYPERTROPHIC, 23, WITH OR WITHOUT LEFT VENTRICULAR NONCOMPACTION; Cardiomyopathy, dilated, 1AA, with or without LVNC. Identifiers: Orphanet 154, MedGen C2677338, MONDO:0012808, OMIM 612158.

Submission:

Labcorp Genetics (formerly Invitae), Labcorp
Classification: Uncertain significance for Primary familial hypertrophic cardiomyopathy; Dilated cardiomyopathy 1AA. Last evaluated: 2025-08-20. Review status: criteria provided, single submitter. Criteria: Invitae Variant Classification Sherloc (09022015). Collection method: clinical testing. Allele origin: germline.
Comment: This sequence change replaces lysine, which is basic and polar, with asparagine, which is neutral and polar, at codon 584 of the ACTN2 protein (p.Lys584Asn). This variant is not present in population databases (gnomAD no frequency). This variant has not been reported in the literature in individuals affected with ACTN2-related conditions. Invitae Evidence Modeling of protein sequence and biophysical properties (such as structural, functional, and spatial information, amino acid conservation, physicochemical variation, residue mobility, and thermodynamic stability) indicates that this missense variant is not expected to disrupt ACTN2 protein function with a negative predictive value of 80%. In summary, the available evidence is currently insufficient to determine the role of this variant in disease. Therefore, it has been classified as a Variant of Uncertain Significance.

NM_001103.4(ACTN2):c.1752G>T (p.Lys584Asn)

Gene: ACTN2 (actinin alpha 2; plus strand). Cytogenetic location: 1q43.
Variant type: single nucleotide variant.
Coding change: c.1752G>T on transcript NM_001103.4 (MANE Select); coding-DNA position 1752, G replaced by T.
Protein change: p.Lys584Asn; replaces lysine 584 with asparagine.
Molecular consequence: missense variant. On other transcripts: non-coding transcript variant (1).
Genome position (GRCh38, 1-based): chr1:236,751,565, G>T. VCF-style: chr1-236751565-G-T. GRCh37 (hg19) VCF-style: chr1-236914865-G-T.
Other names: c.1752G>T, p.Lys584Asn (NM_001278343.2); short protein forms K584N.
Identifiers: ClinVar variation 4783119 (VCV004783119.1).